The following is an entry in ClinVar:

ClinVar aggregate classification (germline): Uncertain significance (1 of 4 stars; one submission).

Conditions:
Glycine encephalopathy. Also called: Non-ketotic hyperglycinemia; Nonketotic hyperglycinemia. Identifiers: Orphanet 407, MedGen C0751748, MONDO:0011612, HP:0008288.

Allele frequency attached by ClinVar (database versions not stated): gnomAD exomes below 0.00001; TOPMed below 0.00001; gnomAD 0.00001.
gnomAD v4.1: 4 of 1,596,576 alleles (0.00025%); highest among the groups gnomAD compares: African/African-American, 0.004%; no homozygotes.

Submission:

Labcorp Genetics (formerly Invitae), Labcorp
Classification: Uncertain significance for Glycine encephalopathy. Last evaluated: 2022-06-20. Review status: criteria provided, single submitter. Criteria: Invitae Variant Classification Sherloc (09022015). Collection method: clinical testing. Allele origin: germline.
Comment: This sequence change replaces alanine, which is neutral and non-polar, with threonine, which is neutral and polar, at codon 386 of the GLDC protein (p.Ala386Thr). This variant is present in population databases (no rsID available, gnomAD 0.008%). This variant has not been reported in the literature in individuals affected with GLDC-related conditions. Algorithms developed to predict the effect of missense changes on protein structure and function are either unavailable or do not agree on the potential impact of this missense change (SIFT: "Deleterious"; PolyPhen-2: "Probably Damaging"; Align-GVGD: "Class C0"). In summary, the available evidence is currently insufficient to determine the role of this variant in disease. Therefore, it has been classified as a Variant of Uncertain Significance.

NM_000170.3(GLDC):c.1156G>A (p.Ala386Thr)

Gene: GLDC (glycine decarboxylase; minus strand). Cytogenetic location: 9p24.1.
Variant type: single nucleotide variant.
Coding change: c.1156G>A on transcript NM_000170.3 (MANE Select); coding-DNA position 1156, G replaced by A.
Protein change: p.Ala386Thr; replaces alanine 386 with threonine.
Molecular consequence: missense variant.
Genome position (GRCh38, 1-based): chr9:6,595,119, C>T on the plus strand (G>A on the coding strand, the complement: GLDC is on the minus strand). VCF-style: chr9-6595119-C-T. GRCh37 (hg19) VCF-style: chr9-6595119-C-T.
Other names: short protein forms A386T.
Identifiers: ClinVar variation 2166290 (VCV002166290.1), dbSNP rs1320733320, ClinGen allele CA372894415.
Genomic context (GRCh38, chr9:6,595,119, plus strand): 5'-GCTCCAGCCCATGGGAACCATGGTAGATTGCAAACATGGCAGCCATATTCGCCAAGAGGG[C>T]CTAAAAGATAAGAACATTTAAAGAATCACGTGATGGAGGACAATTAGTGGGAGGGTGTAA-3'
Protein context (NP_000161.2, residues 376-396): KATSNICTAQ[Ala386Thr]LLANMAAMFA